The following is an entry in ClinVar:

ClinVar aggregate classification (germline): Uncertain significance. Review status: criteria provided, multiple submitters, no conflicts (2 of 4 stars). 2 submissions from 2 submitters: Uncertain significance (2). Last evaluated 2026-05-28.

Conditions:
Cardiovascular phenotype. Identifiers: MedGen CN230736.
Progressive familial heart block type IB (PFHB1B). Identifiers: Orphanet 871, MedGen C1970298, MONDO:0011474, OMIM 604559.

Submissions (2):

Ambry Genetics
Classification: Uncertain significance for Cardiovascular phenotype. Last evaluated: 2026-05-28. Review status: criteria provided, single submitter. Criteria: Ambry Variant Classification Scheme 2023. Collection method: clinical testing. Allele origin: germline.
Comment: The p.V60L variant (also known as c.178G>C), located in coding exon 3 of the TRPM4 gene, results from a G to C substitution at nucleotide position 178. The valine at codon 60 is replaced by leucine, an amino acid with highly similar properties. This amino acid position is conserved. In addition, this alteration is predicted to be tolerated by in silico analysis. Based on the available evidence, the clinical significance of this variant remains unclear.

Labcorp Genetics (formerly Invitae), Labcorp
Classification: Uncertain significance for Progressive familial heart block type IB. Last evaluated: 2023-06-29. Review status: criteria provided, single submitter. Criteria: Invitae Variant Classification Sherloc (09022015). Collection method: clinical testing. Allele origin: germline.
Comment: This sequence change replaces valine, which is neutral and non-polar, with leucine, which is neutral and non-polar, at codon 60 of the TRPM4 protein (p.Val60Leu). This variant is not present in population databases (gnomAD no frequency). This variant has not been reported in the literature in individuals affected with TRPM4-related conditions. ClinVar contains an entry for this variant (Variation ID: 1717630). An algorithm developed to predict the effect of missense changes on protein structure and function (PolyPhen-2) suggests that this variant is likely to be tolerated. In summary, the available evidence is currently insufficient to determine the role of this variant in disease. Therefore, it has been classified as a Variant of Uncertain Significance.

NM_017636.4(TRPM4):c.178G>C (p.Val60Leu)

Gene: TRPM4 (transient receptor potential cation channel subfamily M member 4; plus strand). Cytogenetic location: 19q13.33.
Variant type: single nucleotide variant.
Coding change: c.178G>C on transcript NM_017636.4 (MANE Select); coding-DNA position 178, G replaced by C.
Protein change: p.Val60Leu; replaces valine 60 with leucine.
Molecular consequence: missense variant. On other transcripts: 5 prime UTR variant (1), intron variant (2).
Genome position (GRCh38, 1-based): chr19:49,166,126, G>C. VCF-style: chr19-49166126-G-C. GRCh37 (hg19) VCF-style: chr19-49669383-G-C.
Other names: c.178G>C, p.Val60Leu (NM_001195227.2, NM_001321281.2); c.-1195G>C (NM_001321282.2); c.-74-2134G>C (NM_001321283.2); c.-237-2427G>C (NM_001321285.2); c.178G>C (NM_017636.3); short protein forms V60L.
Identifiers: ClinVar variation 1717630 (VCV001717630.6), dbSNP rs1967165734, ClinGen allele CA406789512.